The following is an entry in ClinVar:

NM_001371986.1(UNC80):c.7661A>G (p.Glu2554Gly)

Gene: UNC80 (unc-80 subunit of NALCN channel complex; plus strand). Cytogenetic location: 2q34.
Variant type: single nucleotide variant.
Coding change: c.7661A>G on transcript NM_001371986.1 (MANE Select); coding-DNA position 7661, A replaced by G.
Protein change: p.Glu2554Gly; replaces glutamic acid 2554 with glycine.
Molecular consequence: missense variant.
Genome position (GRCh38, 1-based): chr2:209,959,563, A>G. VCF-style: chr2-209959563-A-G. GRCh37 (hg19) VCF-style: chr2-210824287-A-G.
Other names: c.7463A>G, p.Glu2488Gly (NM_032504.2); c.7448A>G, p.Glu2483Gly (NM_182587.4); short protein forms E2483G, E2488G, E2554G.
Identifiers: ClinVar variation 1517260 (VCV001517260.6), dbSNP rs2125001105, ClinGen allele CA350776762.

ClinVar aggregate classification (germline): Uncertain significance (1 of 4 stars; one submission).

gnomAD v4.1: 1 of 1,551,724 alleles (0.000064%); no homozygotes.

Submission:

Labcorp Genetics (formerly Invitae), Labcorp
Classification: Uncertain significance. Last evaluated: 2025-06-02. Review status: criteria provided, single submitter. Criteria: Invitae Variant Classification Sherloc (09022015). Collection method: clinical testing. Allele origin: germline.
Comment: This sequence change replaces glutamic acid, which is acidic and polar, with glycine, which is neutral and non-polar, at codon 2488 of the UNC80 protein (p.Glu2488Gly). This variant is not present in population databases (gnomAD no frequency). This variant has not been reported in the literature in individuals affected with UNC80-related conditions. ClinVar contains an entry for this variant (Variation ID: 1517260). Invitae Evidence Modeling of protein sequence and biophysical properties (such as structural, functional, and spatial information, amino acid conservation, physicochemical variation, residue mobility, and thermodynamic stability) indicates that this missense variant is not expected to disrupt UNC80 protein function with a negative predictive value of 80%. In summary, the available evidence is currently insufficient to determine the role of this variant in disease. Therefore, it has been classified as a Variant of Uncertain Significance.